The following is an entry in ClinVar:

NM_001572.5(IRF7):c.1208C>T (p.Pro403Leu)

Gene: IRF7 (interferon regulatory factor 7; minus strand). Cytogenetic location: 11p15.5.
Variant type: single nucleotide variant.
Coding change: c.1208C>T on transcript NM_001572.5 (MANE Select); coding-DNA position 1208, C replaced by T.
Protein change: p.Pro403Leu; replaces proline 403 with leucine.
Molecular consequence: missense variant.
Genome position (GRCh38, 1-based): chr11:613,235, G>A on the plus strand (C>T on the coding strand, the complement: IRF7 is on the minus strand). VCF-style: chr11-613235-G-A. GRCh37 (hg19) VCF-style: chr11-613235-G-A.
Other names: c.1121C>T, p.Pro374Leu (NM_004029.4); c.1247C>T, p.Pro416Leu (NM_004031.4); short protein forms P416L, P403L, P374L.
Identifiers: ClinVar variation 3688682 (VCV003688682.2).

ClinVar aggregate classification (germline): Uncertain significance (1 of 4 stars; one submission).

Conditions:
Immunodeficiency 39 (IMD39). Identifiers: Orphanet 574918, MedGen C4225358, MONDO:0014597, OMIM 616345.

gnomAD v4.1: 3 of 1,592,328 alleles (0.00019%); highest among the groups gnomAD compares: Non-Finnish European, 0.00017%; no homozygotes.

Submission:

Labcorp Genetics (formerly Invitae), Labcorp
Classification: Uncertain significance for Immunodeficiency 39. Last evaluated: 2024-08-04. Review status: criteria provided, single submitter. Criteria: Invitae Variant Classification Sherloc (09022015). Collection method: clinical testing. Allele origin: germline.
Comment: This sequence change replaces proline, which is neutral and non-polar, with leucine, which is neutral and non-polar, at codon 416 of the IRF7 protein (p.Pro416Leu). This variant is present in population databases (rs371452982, gnomAD 0.003%). This variant has not been reported in the literature in individuals affected with IRF7-related conditions. Advanced modeling of protein sequence and biophysical properties (such as structural, functional, and spatial information, amino acid conservation, physicochemical variation, residue mobility, and thermodynamic stability) performed at Invitae indicates that this missense variant is not expected to disrupt IRF7 protein function with a negative predictive value of 80%. In summary, the available evidence is currently insufficient to determine the role of this variant in disease. Therefore, it has been classified as a Variant of Uncertain Significance.